The following is an entry in ClinVar:

ClinVar aggregate classification (germline): Uncertain significance. Review status: criteria provided, multiple submitters, no conflicts (2 of 4 stars). 2 submissions from 2 submitters: Uncertain significance (2). Last evaluated 2025-02-12.

Conditions:
Inborn genetic diseases. Identifiers: MedGen C0950123, MeSH D030342.

gnomAD v4.1: 1 of 1,611,718 alleles (0.000062%); no homozygotes.

Submissions (2):

Ambry Genetics
Classification: Uncertain significance for Inborn genetic diseases. Last evaluated: 2025-02-12. Review status: criteria provided, single submitter. Criteria: Ambry Variant Classification Scheme 2023. Collection method: clinical testing. Allele origin: germline.

GeneDx
Classification: Uncertain significance. Last evaluated: 2022-03-18. Review status: criteria provided, single submitter. Criteria: GeneDx Variant Classification Process June 2021. Collection method: clinical testing. Allele origin: germline. Affected: yes.
Comment: Has not been previously published as pathogenic or benign to our knowledge; Not observed at significant frequency in large population cohorts (gnomAD); In silico analysis supports that this missense variant has a deleterious effect on protein structure/function

NM_000540.3(RYR1):c.7853T>G (p.Met2618Arg)

Gene: RYR1 (ryanodine receptor 1; plus strand). Cytogenetic location: 19q13.2.
Variant type: single nucleotide variant.
Coding change: c.7853T>G on transcript NM_000540.3 (MANE Select); coding-DNA position 7853, T replaced by G.
Protein change: p.Met2618Arg; replaces methionine 2618 with arginine.
Molecular consequence: missense variant.
Genome position (GRCh38, 1-based): chr19:38,502,897, T>G. VCF-style: chr19-38502897-T-G. GRCh37 (hg19) VCF-style: chr19-38993537-T-G.
Other names: c.7853T>G, p.Met2618Arg (NM_001042723.2); short protein forms M2618R.
Identifiers: ClinVar variation 1706994 (VCV001706994.3), dbSNP rs769326916, ClinGen allele CA405673638.